The following is an entry in ClinVar:

NM_001943.5(DSG2):c.861C>G (p.Asn287Lys)

Gene: DSG2 (desmoglein 2; plus strand). Cytogenetic location: 18q12.1.
Variant type: single nucleotide variant.
Coding change: c.861C>G on transcript NM_001943.5 (MANE Select); coding-DNA position 861, C replaced by G.
Protein change: p.Asn287Lys; replaces asparagine 287 with lysine.
Molecular consequence: missense variant.
Genome position (GRCh38, 1-based): chr18:31,524,735, C>G. VCF-style: chr18-31524735-C-G. GRCh37 (hg19) VCF-style: chr18-29104698-C-G.
Other names: NC_000018.9:g.29104698C>G; short protein forms N287K.
Identifiers: ClinVar variation 3894028 (VCV003894028.3).

ClinVar aggregate classification (germline): Uncertain significance. Review status: criteria provided, multiple submitters, no conflicts (2 of 4 stars). 2 submissions from 2 submitters: Uncertain significance (2). Last evaluated 2025-03-19.

Conditions:
Cardiomyopathy (CMYO). Also called: Cardiomyopathies. Identifiers: Orphanet 167848, MedGen C0878544, MONDO:0004994, HP:0001638. Inheritance: Various modes of inheritance.

Submissions (9):

GeneDx
Classification: Uncertain significance. Last evaluated: 2025-03-19. Review status: criteria provided, single submitter. Criteria: GeneDx Variant Classification Process June 2021. Collection method: clinical testing. Allele origin: germline. Affected: yes.
Comment: Not observed at significant frequency in large population cohorts (gnomAD); In silico analysis supports that this missense variant has a deleterious effect on protein structure/function; Has not been previously published as pathogenic or benign to our knowledge

Color Diagnostics, LLC DBA Color Health
Classification: Uncertain significance for Cardiomyopathy. Last evaluated: 2024-07-26. Review status: criteria provided, single submitter. Criteria: ACMG Guidelines, 2015. Collection method: clinical testing. Allele origin: germline.
Comment: This missense variant replaces asparagine with lysine at codon 287 of the DSG2 protein. Computational prediction suggests that this variant may not impact protein structure and function (internally defined REVEL score threshold <= 0.5, PMID: 27666373). To our knowledge, functional studies have not been reported for this variant. This variant has not been reported in individuals affected with DSG2-related disorders in the literature. This variant has not been identified in the general population by the Genome Aggregation Database (gnomAD). The available evidence is insufficient to determine the role of this variant in disease conclusively. Therefore, this variant is classified as a Variant of Uncertain Significance.

Dr. Peter K. Rogan Lab, Western University
No classification provided (evidence only). Condition: Thyroid cancer, nonmedullary, 1. Review status: no classification provided. Collection method: in vitro. Allele origin: not applicable. Functional consequence: retained intron. Not counted in ClinVar's aggregate classification.

Dr. Peter K. Rogan Lab, Western University
No classification provided (evidence only). Condition: Thyroid cancer, nonmedullary, 1. Review status: no classification provided. Collection method: in vitro. Allele origin: not applicable. Functional consequence: retained intron. Not counted in ClinVar's aggregate classification.

Dr. Peter K. Rogan Lab, Western University
No classification provided (evidence only). Condition: Thyroid cancer, nonmedullary, 1. Review status: no classification provided. Collection method: in vitro. Allele origin: not applicable. Functional consequence: skipped exon, retained intron. Not counted in ClinVar's aggregate classification.

Dr. Peter K. Rogan Lab, Western University
No classification provided (evidence only). Condition: Nonpapillary renal cell carcinoma. Review status: no classification provided. Collection method: in vitro. Allele origin: not applicable. Functional consequence: retained intron. Not counted in ClinVar's aggregate classification.

Dr. Peter K. Rogan Lab, Western University
No classification provided (evidence only). Condition: Nonpapillary renal cell carcinoma. Review status: no classification provided. Collection method: in vitro. Allele origin: not applicable. Functional consequence: skipped exon. Not counted in ClinVar's aggregate classification.

Dr. Peter K. Rogan Lab, Western University
No classification provided (evidence only). Condition: Nonpapillary renal cell carcinoma. Review status: no classification provided. Collection method: in vitro. Allele origin: not applicable. Functional consequence: retained intron. Not counted in ClinVar's aggregate classification.

Dr. Peter K. Rogan Lab, Western University
No classification provided (evidence only). Condition: Nonpapillary renal cell carcinoma. Review status: no classification provided. Collection method: in vitro. Allele origin: not applicable. Functional consequence: skipped exon. Not counted in ClinVar's aggregate classification.